The following is an entry in ClinVar:

ClinVar aggregate classification (germline): Conflicting classifications of pathogenicity. Review status: criteria provided, conflicting classifications (1 of 4 stars). 2 submissions from 2 submitters: Pathogenic (1); Uncertain significance (1). Last evaluated 2024-10-24.

Conditions:
Telangiectasia, hereditary hemorrhagic, type 2 (HHT2). Also called: ACVRL1-Related Hereditary Hemorrhagic Telangiectasia; Telangiectasia, hereditary hemorrhagic, type II. Identifiers: Orphanet 774, MedGen C1838163, MONDO:0010880, OMIM 600376. Disease mechanism: loss of function.

Submissions (2):

3billion
Classification: Uncertain significance for Telangiectasia, hereditary hemorrhagic, type 2. Last evaluated: 2024-10-24. Review status: criteria provided, single submitter. Criteria: ACMG Guidelines, 2015. Collection method: clinical testing. Allele origin: germline. Affected: yes.
Comment: The variant is not observed in the gnomAD v4.1.0 dataset. Predicted Consequence/Location: Frameshift: predicted to result in a loss or disruption of normal protein function through protein truncation. The predicted truncated protein may be shortened by less than 10%. The variant has been reported to be associated with ACVRL1 related disorder (ClinVar ID: VCV000645350). However, the evidence of pathogenicity is insufficient at this time. Therefore, this variant is classified as VUS according to the recommendation of ACMG/AMP guideline.

Labcorp Genetics (formerly Invitae), Labcorp
Classification: Pathogenic for Telangiectasia, hereditary hemorrhagic, type 2. Last evaluated: 2024-10-13. Review status: criteria provided, single submitter. Criteria: Invitae Variant Classification Sherloc (09022015). Collection method: clinical testing. Allele origin: germline.
Comment: This sequence change creates a premature translational stop signal (p.Ser477Leufs*25) in the ACVRL1 gene. While this is not anticipated to result in nonsense mediated decay, it is expected to disrupt the last 27 amino acid(s) of the ACVRL1 protein. This variant is not present in population databases (gnomAD no frequency). This premature translational stop signal has been observed in individual(s) with hereditary hemorrhagic telangiectasia (internal data). ClinVar contains an entry for this variant (Variation ID: 645350). Experimental studies and prediction algorithms are not available or were not evaluated, and the functional significance of this variant is currently unknown. This variant disrupts a region of the ACVRL1 protein in which other variant(s) (p.Arg479*) have been determined to be pathogenic (PMID: 15024723, 15065824, 15517393, 15712271, 16429404, 16540754, 18673552, 21158752, 23722869). This suggests that this is a clinically significant region of the protein, and that variants that disrupt it are likely to be disease-causing. For these reasons, this variant has been classified as Pathogenic.

Literature cited by the submitters: PubMed 15024723 (cited by Labcorp Genetics (formerly Invitae), Labcorp); PubMed 15065824 (cited by Labcorp Genetics (formerly Invitae), Labcorp); PubMed 15517393 (cited by Labcorp Genetics (formerly Invitae), Labcorp); PubMed 15712271 (cited by Labcorp Genetics (formerly Invitae), Labcorp); PubMed 16429404 (cited by Labcorp Genetics (formerly Invitae), Labcorp); PubMed 16540754 (cited by Labcorp Genetics (formerly Invitae), Labcorp); PubMed 18673552 (cited by Labcorp Genetics (formerly Invitae), Labcorp); PubMed 21158752 (cited by Labcorp Genetics (formerly Invitae), Labcorp); PubMed 23722869 (cited by Labcorp Genetics (formerly Invitae), Labcorp).

NM_000020.3(ACVRL1):c.1428del (p.Ser477fs)

Gene: ACVRL1 (activin A receptor like type 1; plus strand). Cytogenetic location: 12q13.13.
Variant type: Deletion.
Coding change: c.1428del on transcript NM_000020.3 (MANE Select); coding-DNA position 1428, one base deleted (C; older notation c.1428delC).
Protein change: p.Ser477fs; shifts the reading frame from serine 477.
Molecular consequence: frameshift variant.
Genome position (GRCh38, 1-based): chr12:51,920,809, C deleted; the last of 4 consecutive C bases (chr12:51,920,806-51,920,809); deleting any one gives the same sequence. VCF-style (leftmost placement, unchanged base first): chr12-51920805-AC-A. GRCh37 (hg19) VCF-style: chr12-52314589-AC-A.
Other names: c.1428del, p.Ser477fs (NM_001077401.2); c.1428delC (NM_000020.2); short protein forms S477fs.
Identifiers: ClinVar variation 645350 (VCV000645350.9), dbSNP rs1592228303, ClinGen allele CA915948414.
Genomic context (GRCh38, chr12:51,920,805, plus strand): 5'-CTCCCAACCCCCAGGTCCTCTCAGGCCTAGCTCAGATGATGCGGGAGTGCTGGTACCCAA[AC>A]CCCTCTGCCCGACTCACCGCGCTGCGGATCAAGAAGACACTACAAAAAATTAGCAACAGT-3'